The following is an entry in ClinVar:

ClinVar aggregate classification (germline): Uncertain significance (0 of 4 stars; one submission).

Conditions:
MC4R-related disorder. Also called: MC4R-related condition.

gnomAD v4.1: 1 of 1,614,190 alleles (0.000062%); highest among the groups gnomAD compares: South Asian, 0.0011%; no homozygotes.

Submission:

PreventionGenetics, part of Exact Sciences
Classification: Uncertain significance for MC4R-related condition. Last evaluated: 2024-05-12. Review status: no assertion criteria provided. Collection method: clinical testing. Allele origin: germline.
Comment: The MC4R c.860A>G variant is predicted to result in the amino acid substitution p.Tyr287Cys. To our knowledge, this variant has not been reported in the literature. This variant is reported in 0.0033% of alleles in individuals of South Asian descent in gnomAD. At this time, the clinical significance of this variant is uncertain due to the absence of conclusive functional and genetic evidence.

NM_005912.3(MC4R):c.860A>G (p.Tyr287Cys)

Gene: MC4R (melanocortin 4 receptor; minus strand). Cytogenetic location: 18q21.32.
Variant type: single nucleotide variant.
Coding change: c.860A>G on transcript NM_005912.3 (MANE Select); coding-DNA position 860, A replaced by G.
Protein change: p.Tyr287Cys; replaces tyrosine 287 with cysteine.
Molecular consequence: missense variant.
Genome position (GRCh38, 1-based): chr18:60,371,490, T>C on the plus strand (A>G on the coding strand, the complement: MC4R is on the minus strand). VCF-style: chr18-60371490-T-C. GRCh37 (hg19) VCF-style: chr18-58038723-T-C.
Other names: short protein forms Y287C.
Identifiers: ClinVar variation 3350114 (VCV003350114.1).